The following is an entry in ClinVar:

NM_001378120.1(MBD5):c.2514A>C (p.Glu838Asp)

Gene: MBD5 (methyl-CpG binding domain protein 5; plus strand). Cytogenetic location: 2q23.1.
Variant type: single nucleotide variant.
Coding change: c.2514A>C on transcript NM_001378120.1 (MANE Select); coding-DNA position 2514, A replaced by C.
Protein change: p.Glu838Asp; replaces glutamic acid 838 with aspartic acid.
Molecular consequence: missense variant.
Genome position (GRCh38, 1-based): chr2:148,470,457, A>C. VCF-style: chr2-148470457-A-C. GRCh37 (hg19) VCF-style: chr2-149228026-A-C.
Other names: c.2514A>C, p.Glu838Asp (NM_018328.5); short protein forms E838D.
Identifiers: ClinVar variation 1036241 (VCV001036241.9), dbSNP rs1216163190, ClinGen allele CA348722031.

ClinVar aggregate classification (germline): Uncertain significance (1 of 4 stars; one submission).

Conditions:
Intellectual developmental disorder, autosomal dominant 1. Also called: Intellectual disability, autosomal dominant 1; MBD5 Haploinsufficiency. Identifiers: Orphanet 228402, MedGen C1969562, MONDO:0007974, OMIM 156200.

Allele frequency attached by ClinVar (database versions not stated): gnomAD exomes below 0.00001 and 0.00001; gnomAD 0.00001; TOPMed 0.00001.
gnomAD v4.1: 13 of 1,597,638 alleles (0.00081%); highest among the groups gnomAD compares: Non-Finnish European, 0.0011%; no homozygotes.

Submission:

Labcorp Genetics (formerly Invitae), Labcorp
Classification: Uncertain significance for Intellectual developmental disorder, autosomal dominant 1. Last evaluated: 2022-10-23. Review status: criteria provided, single submitter. Criteria: Invitae Variant Classification Sherloc (09022015). Collection method: clinical testing. Allele origin: germline.
Comment: This sequence change replaces glutamic acid, which is acidic and polar, with aspartic acid, which is acidic and polar, at codon 838 of the MBD5 protein (p.Glu838Asp). This variant is present in population databases (no rsID available, gnomAD 0.001%). This variant has not been reported in the literature in individuals affected with MBD5-related conditions. ClinVar contains an entry for this variant (Variation ID: 1036241). Advanced modeling of protein sequence and biophysical properties (such as structural, functional, and spatial information, amino acid conservation, physicochemical variation, residue mobility, and thermodynamic stability) performed at Invitae indicates that this missense variant is not expected to disrupt MBD5 protein function. In summary, the available evidence is currently insufficient to determine the role of this variant in disease. Therefore, it has been classified as a Variant of Uncertain Significance.